The following is an entry in ClinVar:

NM_018249.6(CDK5RAP2):c.37C>T (p.Pro13Ser)

Gene: CDK5RAP2 (CDK5 regulatory subunit associated protein 2; minus strand). Cytogenetic location: 9q33.2.
Variant type: single nucleotide variant.
Coding change: c.37C>T on transcript NM_018249.6 (MANE Select); coding-DNA position 37, C replaced by T.
Protein change: p.Pro13Ser; replaces proline 13 with serine.
Molecular consequence: missense variant. On other transcripts: non-coding transcript variant (5).
Genome position (GRCh38, 1-based): chr9:120,579,942, G>A on the plus strand (C>T on the coding strand, the complement: CDK5RAP2 is on the minus strand). VCF-style: chr9-120579942-G-A. GRCh37 (hg19) VCF-style: chr9-123342220-G-A.
Other names: c.37C>T, p.Pro13Ser (NM_001011649.3, NM_001272039.2, NM_001410992.1 and 2 more transcripts); short protein forms P13S.
Identifiers: ClinVar variation 1708818 (VCV001708818.2), dbSNP rs1442521855, ClinGen allele CA374718697.

ClinVar aggregate classification (germline): Uncertain significance (1 of 4 stars; one submission).

gnomAD v4.1: 1 of 1,613,450 alleles (0.000062%); highest among the groups gnomAD compares: Non-Finnish European, 0.000085%; no homozygotes.

Submission:

GeneDx
Classification: Uncertain significance. Last evaluated: 2022-04-10. Review status: criteria provided, single submitter. Criteria: GeneDx Variant Classification Process June 2021. Collection method: clinical testing. Allele origin: germline. Affected: yes.
Comment: Not observed at significant frequency in large population cohorts (gnomAD); In silico analysis supports that this missense variant does not alter protein structure/function; Has not been previously published as pathogenic or benign to our knowledge